The following is an entry in ClinVar:

ClinVar aggregate classification (germline): Uncertain significance (1 of 4 stars; one submission).

Conditions:
ABCB4-related disorder. Also called: ABCB4-related disorders; ABCB4-related condition.

Submission:

PreventionGenetics, part of Exact Sciences
Classification: Uncertain significance for ABCB4-related condition. Last evaluated: 2026-03-18. Review status: criteria provided, single submitter. Criteria: ACMG Guidelines, 2015. Collection method: clinical testing. Allele origin: germline.
Comment: The ABCB4 c.1882G>C variant is predicted to result in the amino acid substitution p.Val628Leu. To our knowledge, this variant has not been reported in the literature or in a large population database (gnomAD), indicating this variant is rare. At this time, the clinical significance of this variant is uncertain due to the absence of conclusive functional and genetic evidence.

NM_000443.4(ABCB4):c.1882G>C (p.Val628Leu)

Gene: ABCB4 (ATP binding cassette subfamily B member 4; minus strand). Cytogenetic location: 7q21.12.
Variant type: single nucleotide variant.
Coding change: c.1882G>C on transcript NM_000443.4 (MANE Select); coding-DNA position 1882, G replaced by C.
Protein change: p.Val628Leu; replaces valine 628 with leucine.
Molecular consequence: missense variant.
Genome position (GRCh38, 1-based): chr7:87,431,415, C>G on the plus strand (G>C on the coding strand, the complement: ABCB4 is on the minus strand). VCF-style: chr7-87431415-C-G. GRCh37 (hg19) VCF-style: chr7-87060731-C-G.
Other names: c.1882G>C, p.Val628Leu (NM_018849.3, NM_018850.3); short protein forms V628L.
Identifiers: ClinVar variation 4991718 (VCV004991718.1).